The following is an entry in ClinVar:

ClinVar aggregate classification (germline): Uncertain significance. Review status: criteria provided, single submitter (1 of 4 stars). 2 submissions from 2 submitters: Uncertain significance (1). 1 of the submissions does not count toward it. Last evaluated 2023-10-05.

Conditions:
Autosomal recessive limb-girdle muscular dystrophy type 2A (LGMDR1). Also called: Limb-girdle muscular dystrophy, type 2A; Calpainopathy; LEYDEN-MOEBIUS MUSCULAR DYSTROPHY; MUSCULAR DYSTROPHY, PELVOFEMORAL; Muscular dystrophy, limb-girdle, type 2A, Amish. Identifiers: Orphanet 267, MedGen C1869123, MONDO:0009675, OMIM 253600. Disease mechanism: loss of function.

Allele frequency attached by ClinVar (database versions not stated): gnomAD exomes below 0.00001; ExAC 0.00001.
gnomAD v4.1: 4 of 1,613,908 alleles (0.00025%); highest among the groups gnomAD compares: Non-Finnish European, 0.00034%; no homozygotes.

Submissions (2):

Labcorp Genetics (formerly Invitae), Labcorp
Classification: Uncertain significance for Autosomal recessive limb-girdle muscular dystrophy type 2A. Last evaluated: 2023-10-05. Review status: criteria provided, single submitter. Criteria: Invitae Variant Classification Sherloc (09022015). Collection method: clinical testing. Allele origin: germline.
Comment: This sequence change replaces serine, which is neutral and polar, with asparagine, which is neutral and polar, at codon 377 of the CAPN3 protein (p.Ser377Asn). This variant is present in population databases (rs760121531, gnomAD 0.0009%). This variant has not been reported in the literature in individuals affected with CAPN3-related conditions. ClinVar contains an entry for this variant (Variation ID: 580712). Advanced modeling of protein sequence and biophysical properties (such as structural, functional, and spatial information, amino acid conservation, physicochemical variation, residue mobility, and thermodynamic stability) has been performed at Invitae for this missense variant, however the output from this modeling did not meet the statistical confidence thresholds required to predict the impact of this variant on CAPN3 protein function. In summary, the available evidence is currently insufficient to determine the role of this variant in disease. Therefore, it has been classified as a Variant of Uncertain Significance.

Natera, Inc.
Classification: Uncertain significance for Limb-girdle muscular dystrophy type 2A. Last evaluated: 2021-05-12. Review status: no assertion criteria provided. Collection method: clinical testing. Allele origin: germline. Not counted in ClinVar's aggregate classification.

NM_000070.3(CAPN3):c.1130G>A (p.Ser377Asn)

Gene: CAPN3 (calpain 3; plus strand). Cytogenetic location: 15q15.1.
Variant type: single nucleotide variant.
Coding change: c.1130G>A on transcript NM_000070.3 (MANE Select); coding-DNA position 1130, G replaced by A.
Protein change: p.Ser377Asn; replaces serine 377 with asparagine.
Molecular consequence: missense variant.
Genome position (GRCh38, 1-based): chr15:42,396,814, G>A. VCF-style: chr15-42396814-G-A. GRCh37 (hg19) VCF-style: chr15-42689012-G-A.
Other names: c.1130G>A, p.Ser377Asn (NM_024344.2); c.986G>A, p.Ser329Asn (NM_173087.2); short protein forms S377N, S329N.
Identifiers: ClinVar variation 580712 (VCV000580712.12), dbSNP rs760121531, ClinGen allele CA7511260.